The following is an entry in ClinVar:

NM_024818.6(UBA5):c.724_725del (p.Lys242fs)

Genes: NPHP3-ACAD11 (NPHP3-ACAD11 readthrough (NMD candidate); minus strand), UBA5 (ubiquitin like modifier activating enzyme 5; plus strand). Cytogenetic location: 3q22.1.
Variant type: Deletion.
Coding change: c.724_725del on transcript NM_024818.6 (MANE Select); coding-DNA positions 724 to 725, 2 bases deleted (AA; older notation c.724_725delAA).
Protein change: p.Lys242fs; shifts the reading frame from lysine 242.
Molecular consequence: frameshift variant.
Genome position (GRCh38, 1-based): chr3:132,672,089-132,672,090, AA deleted; deleting any 2 consecutive bases within chr3:132,672,087-132,672,090 gives the same sequence; the c. name uses the placement nearest the transcript's 3' end. VCF-style (leftmost placement, unchanged base first): chr3-132672086-GAA-G. GRCh37 (hg19) VCF-style: chr3-132390930-GAA-G.
Other names: c.724_725delAA (NM_024818.4); c.556_557del, p.Lys186fs (NM_001320210.2, NM_198329.4); c.454_455del, p.Lys152fs (NM_001321238.2); c.388_389del, p.Lys130fs (NM_001321239.1); short protein forms K130fs, K152fs, K186fs, K242fs.
Identifiers: ClinVar variation 4755518 (VCV004755518.2).

ClinVar aggregate classification (germline): Likely pathogenic. Review status: criteria provided, multiple submitters, no conflicts (2 of 4 stars). 2 submissions from 2 submitters: Likely pathogenic (2). Last evaluated 2026-08-25.

Conditions:
Developmental and epileptic encephalopathy, 44 (DEE44). Also called: Epileptic encephalopathy, early infantile, 44. Identifiers: MedGen C4310700, MONDO:0014933, OMIM 617132.
UBA5-related disorder. Also called: UBA5-related condition; UBA5-related disorders.

Submissions (2):

PreventionGenetics, part of Exact Sciences
Classification: Likely pathogenic for UBA5-related condition. Last evaluated: 2026-08-25. Review status: criteria provided, single submitter. Criteria: ACMG Guidelines, 2015. Collection method: clinical testing. Allele origin: germline.
Comment: The UBA5 c.724_725delAA variant is predicted to result in a frameshift and premature protein termination (p.Lys242Aspfs*38). To our knowledge, this variant has not been reported in the literature or in a large population database (gnomAD), indicating this variant is rare. Frameshift variants in UBA5 are expected to be pathogenic. This variant is interpreted as likely pathogenic.

Medical and Scientific Branch, Hong Kong Genome Institute
Classification: Likely pathogenic for Developmental and epileptic encephalopathy, 44. Last evaluated: 2026-01-26. Review status: criteria provided, single submitter. Criteria: ACMG Guidelines, 2015. Collection method: clinical testing. Allele origin: paternal. Affected: yes.